The following is an entry in ClinVar:

ClinVar aggregate classification (germline): Benign (1 of 4 stars; one submission).

Allele frequency attached by ClinVar (database versions not stated): gnomAD exomes 0.00462; gnomAD 0.04373 and 0.04699; 1000 Genomes Project 0.04473; TOPMed 0.04963; 1000 Genomes Project 30x 0.05215.
gnomAD v4.1: 10,391 of 932,762 alleles (1.1%); highest among the groups gnomAD compares: African/African-American, 15%; 718 homozygotes.

Submission:

GeneDx
Classification: Benign. Last evaluated: 2018-06-18. Review status: criteria provided, single submitter. Criteria: GeneDx Variant Classification (06012015). Collection method: clinical testing. Allele origin: germline. Affected: yes.
Comment: This variant is considered likely benign or benign based on one or more of the following criteria: it is a conservative change, it occurs at a poorly conserved position in the protein, it is predicted to be benign by multiple in silico algorithms, and/or has population frequency not consistent with disease.

NM_006231.4(POLE):c.5812-123G>A

Gene: POLE (DNA polymerase epsilon, catalytic subunit; minus strand). Cytogenetic location: 12q24.33.
Variant type: single nucleotide variant.
Coding change: c.5812-123G>A on transcript NM_006231.4 (MANE Select); 123 bases into the intron before coding-DNA position 5812, G replaced by A.
Molecular consequence: intron variant.
Genome position (GRCh38, 1-based): chr12:132,634,501, C>T on the plus strand (G>A on the coding strand, the complement: POLE is on the minus strand). VCF-style: chr12-132634501-C-T. GRCh37 (hg19) VCF-style: chr12-133211087-C-T.
Identifiers: ClinVar variation 676643 (VCV000676643.1), dbSNP rs5745003, ClinGen allele CA246295620.